The following is an entry in ClinVar:

NM_004119.3(FLT3):c.2888C>T (p.Ser963Leu)

Gene: FLT3 (fms related receptor tyrosine kinase 3; minus strand). Cytogenetic location: 13q12.2.
Variant type: single nucleotide variant.
Coding change: c.2888C>T on transcript NM_004119.3 (MANE Select); coding-DNA position 2888, C replaced by T.
Protein change: p.Ser963Leu; replaces serine 963 with leucine.
Molecular consequence: missense variant. On other transcripts: non-coding transcript variant (1).
Genome position (GRCh38, 1-based): chr13:28,004,146, G>A on the plus strand (C>T on the coding strand, the complement: FLT3 is on the minus strand). VCF-style: chr13-28004146-G-A. GRCh37 (hg19) VCF-style: chr13-28578283-G-A.
Other names: short protein forms S963L.
Identifiers: ClinVar variation 134438 (VCV000134438.8), dbSNP rs138003347, ClinGen allele CA159819.

ClinVar aggregate classification (germline): Likely benign. Review status: criteria provided, multiple submitters, no conflicts (2 of 4 stars). 3 submissions from 3 submitters: Likely benign (2). 1 of the submissions does not count toward it. Last evaluated 2024-02-09.

Allele frequency attached by ClinVar (database versions not stated): ESP Exome Variant Server 0.00015; ExAC 0.00023; gnomAD 0.00025 and 0.00026; gnomAD exomes 0.00025 and 0.00040; TOPMed 0.00026.
gnomAD v4.1: 608 of 1,613,884 alleles (0.038%); highest among the groups gnomAD compares: South Asian, 0.056%; 2 homozygotes.

Submissions (3):

Labcorp Genetics (formerly Invitae), Labcorp
Classification: Likely benign. Last evaluated: 2024-02-09. Review status: criteria provided, single submitter. Criteria: Invitae Variant Classification Sherloc (09022015). Collection method: clinical testing. Allele origin: germline.

Breakthrough Genomics
Classification: Likely benign. Review status: criteria provided, single submitter. Criteria: ACMG Guidelines, 2015. Collection method: not provided. Allele origin: germline. Inheritance: Autosomal dominant inheritance. Affected: yes.

ITMI
No classification provided. Condition: AllHighlyPenetrant. Last evaluated: 2013-09-19. Review status: no classification provided. Collection method: reference population. Allele origin: germline. Not counted in ClinVar's aggregate classification.
Comment: Please see associated publication for description of ethnicities

Literature cited by the submitters: PubMed 24728327 (cited by ITMI).